The following is an entry in ClinVar:

NM_001378418.1(TCF20):c.2553A>G (p.Ser851=)

Gene: TCF20 (transcription factor 20; minus strand). Cytogenetic location: 22q13.2.
Variant type: single nucleotide variant.
Coding change: c.2553A>G on transcript NM_001378418.1 (MANE Select); coding-DNA position 2553, A replaced by G.
Protein change: p.Ser851=; no amino-acid change (serine 851 retained).
Molecular consequence: synonymous variant.
Genome position (GRCh38, 1-based): chr22:42,212,753, T>C on the plus strand (A>G on the coding strand, the complement: TCF20 is on the minus strand). VCF-style: chr22-42212753-T-C. GRCh37 (hg19) VCF-style: chr22-42608759-T-C.
Other names: c.2553A>G, p.Ser851= (NM_005650.4, NM_181492.3).
Identifiers: ClinVar variation 2416814 (VCV002416814.32), dbSNP rs374741905, ClinGen allele CA10267001.

ClinVar aggregate classification (germline): Likely benign. Review status: criteria provided, multiple submitters, no conflicts (2 of 4 stars). 3 submissions from 3 submitters: Likely benign (3). Last evaluated 2025-09-08.

Allele frequency attached by ClinVar (database versions not stated): gnomAD exomes 0.00006; gnomAD 0.00007; ExAC 0.00008; ESP Exome Variant Server 0.00008; TOPMed 0.00011.
gnomAD v4.1: 110 of 1,614,128 alleles (0.0068%); highest among the groups gnomAD compares: Middle Eastern, 0.26%; no homozygotes.

Submissions (3):

Labcorp Genetics (formerly Invitae), Labcorp
Classification: Likely benign. Last evaluated: 2025-09-08. Review status: criteria provided, single submitter. Criteria: Invitae Variant Classification Sherloc (09022015). Collection method: clinical testing. Allele origin: germline.

Blueprint Genetics
Classification: Likely benign. Last evaluated: 2024-09-17. Review status: criteria provided, single submitter. Criteria: ACMG Guidelines, 2015. Collection method: clinical testing. Allele origin: germline.

CeGaT Center for Human Genetics Tuebingen
Classification: Likely benign. Last evaluated: 2024-01-01. Review status: criteria provided, single submitter. Criteria: CeGaT Center For Human Genetics Tuebingen Variant Classification Criteria Version 2. Collection method: clinical testing. Allele origin: germline. Affected: yes. Observed: 2 variant alleles.
Comment: TCF20: BP4, BP7